The following is an entry in ClinVar:

NM_000291.4(PGK1):c.418-3T>C

Gene: PGK1 (phosphoglycerate kinase 1; plus strand). Cytogenetic location: Xq21.1.
Variant type: single nucleotide variant.
Coding change: c.418-3T>C on transcript NM_000291.4 (MANE Select); 3 bases into the intron before coding-DNA position 418, T replaced by C.
Molecular consequence: intron variant.
Genome position (GRCh38, 1-based): chrX:78,117,309, T>C. VCF-style: chrX-78117309-T-C. GRCh37 (hg19) VCF-style: chrX-77372806-T-C.
Identifiers: ClinVar variation 4776754 (VCV004776754.1).
Genomic context (GRCh38, chrX:78,117,309, plus strand): 5'-ATGAAATGCTTTTATAGTTGTCTTTGGAGCCATCACATTTTCTGTTTTTGTTTTTCTCTA[T>C]AGGTTAAAGCCGAGCCAGCCAAAATAGAAGCTTTCCGAGCTTCACTTTCCAAGCTAGGGG-3'

ClinVar aggregate classification (germline): Uncertain significance (1 of 4 stars; one submission).

gnomAD v4.1: 7 of 1,176,233 alleles (0.0006%); highest among the groups gnomAD compares: Non-Finnish European, 0.00081%; no homozygotes.

Submission:

Labcorp Genetics (formerly Invitae), Labcorp
Classification: Uncertain significance. Last evaluated: 2025-03-22. Review status: criteria provided, single submitter. Criteria: Invitae Variant Classification Sherloc (09022015). Collection method: clinical testing. Allele origin: germline.
Comment: This sequence change falls in intron 4 of the PGK1 gene. It does not directly change the encoded amino acid sequence of the PGK1 protein. It affects a nucleotide within the consensus splice site. This variant is not present in population databases (gnomAD no frequency). This variant has not been reported in the literature in individuals affected with PGK1-related conditions. Variants that disrupt the consensus splice site are a relatively common cause of aberrant splicing (PMID: 17576681, 9536098). Algorithms developed to predict the effect of sequence changes on RNA splicing suggest that this variant is not likely to affect RNA splicing. In summary, the available evidence is currently insufficient to determine the role of this variant in disease. Therefore, it has been classified as a Variant of Uncertain Significance.

Literature cited by the submitters: PubMed 17576681; PubMed 9536098.